The following is an entry in ClinVar:

ClinVar aggregate classification (germline): Uncertain significance. Review status: criteria provided, multiple submitters, no conflicts (2 of 4 stars). 2 submissions from 2 submitters: Uncertain significance (2). Last evaluated 2025-04-06.

Conditions:
PXDN-related disorder. Also called: PXDN-related condition.
Inborn genetic diseases. Identifiers: MedGen C0950123, MeSH D030342.

Allele frequency attached by ClinVar (database versions not stated): gnomAD exomes 0.00002; gnomAD 0.00004; ExAC 0.00005; TOPMed 0.00005.
gnomAD v4.1: 34 of 1,613,886 alleles (0.0021%); highest among the groups gnomAD compares: East Asian, 0.04%; no homozygotes.

Submissions (2):

Ambry Genetics
Classification: Uncertain significance for Inborn genetic diseases. Last evaluated: 2025-04-06. Review status: criteria provided, single submitter. Criteria: Ambry Variant Classification Scheme 2023. Collection method: clinical testing. Allele origin: germline.

PreventionGenetics, part of Exact Sciences
Classification: Uncertain significance for PXDN-related condition. Last evaluated: 2025-03-27. Review status: criteria provided, single submitter. Criteria: ACMG Guidelines, 2015. Collection method: clinical testing. Allele origin: germline.
Comment: The PXDN c.1138C>T variant is predicted to result in the amino acid substitution p.Arg380Cys. To our knowledge, this variant has not been reported in the literature. This variant is reported in 0.041% of alleles in individuals of East Asian descent in gnomAD. At this time, the clinical significance of this variant is uncertain due to the absence of conclusive functional and genetic evidence.

NM_012293.3(PXDN):c.1138C>T (p.Arg380Cys)

Gene: PXDN (peroxidasin; minus strand). Cytogenetic location: 2p25.3.
Variant type: single nucleotide variant.
Coding change: c.1138C>T on transcript NM_012293.3 (MANE Select); coding-DNA position 1138, C replaced by T.
Protein change: p.Arg380Cys; replaces arginine 380 with cysteine.
Molecular consequence: missense variant.
Genome position (GRCh38, 1-based): chr2:1,666,367, G>A on the plus strand (C>T on the coding strand, the complement: PXDN is on the minus strand). VCF-style: chr2-1666367-G-A. GRCh37 (hg19) VCF-style: chr2-1670139-G-A.
Other names: c.1138C>T (NM_012293.2); short protein forms R380C.
Identifiers: ClinVar variation 2457500 (VCV002457500.4), dbSNP rs776843639, ClinGen allele CA1513425.